The following is an entry in ClinVar:

ClinVar aggregate classification (germline): Uncertain significance (1 of 4 stars; one submission).

Conditions:
Early Myoclonic Encephalopathy. Identifiers: MedGen C0270855.

Allele frequency attached by ClinVar (database versions not stated): gnomAD exomes below 0.00001; TOPMed below 0.00001.
gnomAD v4.1: 1 of 1,604,192 alleles (0.000062%); highest among the groups gnomAD compares: African/African-American, 0.0013%; no homozygotes.

Submission:

Labcorp Genetics (formerly Invitae), Labcorp
Classification: Uncertain significance for Early Myoclonic Encephalopathy. Last evaluated: 2022-03-27. Review status: criteria provided, single submitter. Criteria: Invitae Variant Classification Sherloc (09022015). Collection method: clinical testing. Allele origin: germline.
Comment: This sequence change replaces valine, which is neutral and non-polar, with isoleucine, which is neutral and non-polar, at codon 2257 of the JMJD1C protein (p.Val2257Ile). This variant is not present in population databases (gnomAD no frequency). This variant has not been reported in the literature in individuals affected with JMJD1C-related conditions. In summary, the available evidence is currently insufficient to determine the role of this variant in disease. Therefore, it has been classified as a Variant of Uncertain Significance. Algorithms developed to predict the effect of missense changes on protein structure and function (SIFT, PolyPhen-2, Align-GVGD) all suggest that this variant is likely to be tolerated.

NM_032776.3(JMJD1C):c.6769G>A (p.Val2257Ile)

Gene: JMJD1C (jumonji domain containing 1C; minus strand). Cytogenetic location: 10q21.3.
Variant type: single nucleotide variant.
Coding change: c.6769G>A on transcript NM_032776.3 (MANE Select); coding-DNA position 6769, G replaced by A.
Protein change: p.Val2257Ile; replaces valine 2257 with isoleucine.
Molecular consequence: missense variant. On other transcripts: non-coding transcript variant (1).
Genome position (GRCh38, 1-based): chr10:63,185,624, C>T on the plus strand (G>A on the coding strand, the complement: JMJD1C is on the minus strand). VCF-style: chr10-63185624-C-T. GRCh37 (hg19) VCF-style: chr10-64945384-C-T.
Other names: c.6223G>A, p.Val2075Ile (NM_001282948.2, NM_001318154.2); c.5905G>A, p.Val1969Ile (NM_001318153.2); c.6655G>A, p.Val2219Ile (NM_001322252.2); c.6112G>A, p.Val2038Ile (NM_001322254.2, NM_001322258.2); short protein forms V2219I, V1969I, V2257I, V2075I, V2038I.
Identifiers: ClinVar variation 2117952 (VCV002117952.4), dbSNP rs1244673053, ClinGen allele CA377021791.
Genomic context (GRCh38, chr10:63,185,624, plus strand): 5'-TTGCTGGCATCATAGTCTTGAAGTCTTCTCCTGAAGGCCAGTCTTTCAATTTTAAAACAA[C>T]TGTTTCTCCACTCTTGTTTTTCTGCCGTTCTATAAGGAATGCAGTTAATTACTAAAAGGG-3'
Protein context (NP_116165.1, residues 2247-2267): KRQKNKSGET[Val2257Ile]VLKLKDWPSG